The following is an entry in ClinVar:

ClinVar aggregate classification (germline): Uncertain significance (1 of 4 stars; one submission).

Allele frequency attached by ClinVar (database versions not stated): TOPMed below 0.00001.

Submission:

Labcorp Genetics (formerly Invitae), Labcorp
Classification: Uncertain significance. Last evaluated: 2022-03-20. Review status: criteria provided, single submitter. Criteria: Invitae Variant Classification Sherloc (09022015). Collection method: clinical testing. Allele origin: germline.
Comment: This variant is not present in population databases (gnomAD no frequency). In summary, the available evidence is currently insufficient to determine the role of this variant in disease. Therefore, it has been classified as a Variant of Uncertain Significance. Algorithms developed to predict the effect of missense changes on protein structure and function are either unavailable or do not agree on the potential impact of this missense change (SIFT: "Not Available"; PolyPhen-2: "Probably Damaging"; Align-GVGD: "Not Available"). This variant has not been reported in the literature in individuals affected with TMPRSS15-related conditions. This sequence change replaces tyrosine, which is neutral and polar, with serine, which is neutral and polar, at codon 546 of the TMPRSS15 protein (p.Tyr546Ser).

NM_002772.3(TMPRSS15):c.1637A>C (p.Tyr546Ser)

Gene: TMPRSS15 (transmembrane serine protease 15; minus strand). Cytogenetic location: 21q21.1.
Variant type: single nucleotide variant.
Coding change: c.1637A>C on transcript NM_002772.3 (MANE Select); coding-DNA position 1637, A replaced by C.
Protein change: p.Tyr546Ser; replaces tyrosine 546 with serine.
Molecular consequence: missense variant.
Genome position (GRCh38, 1-based): chr21:18,332,101, T>G on the plus strand (A>C on the coding strand, the complement: TMPRSS15 is on the minus strand). VCF-style: chr21-18332101-T-G. GRCh37 (hg19) VCF-style: chr21-19704418-T-G.
Other names: short protein forms Y546S.
Identifiers: ClinVar variation 2110395 (VCV002110395.4), dbSNP rs1181444496, ClinGen allele CA409850139.